The following is an entry in ClinVar:

ClinVar aggregate classification (germline): Uncertain significance (1 of 4 stars; one submission).

Submission:

GeneDx
Classification: Uncertain significance. Last evaluated: 2023-07-03. Review status: criteria provided, single submitter. Criteria: GeneDx Variant Classification Process June 2021. Collection method: clinical testing. Allele origin: germline. Affected: yes.
Comment: Not observed at significant frequency in large population cohorts (gnomAD); In silico analysis supports that this missense variant has a deleterious effect on protein structure/function; Has not been previously published as pathogenic or benign to our knowledge

NM_031418.4(ANO3):c.1228G>C (p.Ala410Pro)

Gene: ANO3 (anoctamin 3; plus strand). Cytogenetic location: 11p14.2.
Variant type: single nucleotide variant.
Coding change: c.1228G>C on transcript NM_031418.4 (MANE Select); coding-DNA position 1228, G replaced by C.
Protein change: p.Ala410Pro; replaces alanine 410 with proline.
Molecular consequence: missense variant.
Genome position (GRCh38, 1-based): chr11:26,547,489, G>C. VCF-style: chr11-26547489-G-C. GRCh37 (hg19) VCF-style: chr11-26569036-G-C.
Other names: c.1411G>C, p.Ala471Pro (NM_001313726.2); c.790G>C, p.Ala264Pro (NM_001313727.2); short protein forms A264P, A410P, A471P.
Identifiers: ClinVar variation 3360789 (VCV003360789.1).